The following is an entry in ClinVar:

ClinVar aggregate classification (germline): Uncertain significance. Review status: criteria provided, multiple submitters, no conflicts (2 of 4 stars). 2 submissions from 2 submitters: Uncertain significance (2). Last evaluated 2025-02-14.

Conditions:
Hereditary cancer-predisposing syndrome. Also called: Hereditary neoplastic syndrome; Neoplastic Syndromes, Hereditary; Tumor predisposition; Hereditary Cancer Syndrome. Identifiers: Orphanet 140162, MedGen C0027672, MeSH D009386, MONDO:0015356.
Familial adenomatous polyposis 1 (FAP1). Also called: POLYPOSIS, ADENOMATOUS INTESTINAL; FAMILIAL ADENOMATOUS POLYPOSIS 1, ATTENUATED. Identifiers: MedGen C2713442, MONDO:0021056, OMIM 175100. Disease mechanism: loss of function.

Submissions (2):

Ambry Genetics
Classification: Uncertain significance for Hereditary cancer-predisposing syndrome. Last evaluated: 2025-02-14. Review status: criteria provided, single submitter. Criteria: Ambry Variant Classification Scheme 2023. Collection method: clinical testing. Allele origin: germline.
Comment: The p.V800G variant (also known as c.2399T>G), located in coding exon 15 of the APC gene, results from a T to G substitution at nucleotide position 2399. The valine at codon 800 is replaced by glycine, an amino acid with dissimilar properties. This amino acid position is conserved. In addition, in silico predictors for this gene do not accurately predict pathogenicity. Based on the available evidence, the clinical significance of this variant remains unclear.

Labcorp Genetics (formerly Invitae), Labcorp
Classification: Uncertain significance for Familial adenomatous polyposis 1. Last evaluated: 2024-01-04. Review status: criteria provided, single submitter. Criteria: Invitae Variant Classification Sherloc (09022015). Collection method: clinical testing. Allele origin: germline.
Comment: This sequence change replaces valine, which is neutral and non-polar, with glycine, which is neutral and non-polar, at codon 800 of the APC protein (p.Val800Gly). This variant is not present in population databases (gnomAD no frequency). This variant has not been reported in the literature in individuals affected with APC-related conditions. ClinVar contains an entry for this variant (Variation ID: 835578). Advanced modeling of protein sequence and biophysical properties (such as structural, functional, and spatial information, amino acid conservation, physicochemical variation, residue mobility, and thermodynamic stability) performed at Invitae indicates that this missense variant is not expected to disrupt APC protein function with a negative predictive value of 95%. In summary, the available evidence is currently insufficient to determine the role of this variant in disease. Therefore, it has been classified as a Variant of Uncertain Significance.

NM_000038.6(APC):c.2399T>G (p.Val800Gly)

Gene: APC (APC regulator of Wnt signaling pathway; plus strand). Cytogenetic location: 5q22.2.
Variant type: single nucleotide variant.
Coding change: c.2399T>G on transcript NM_000038.6 (MANE Select); coding-DNA position 2399, T replaced by G.
Protein change: p.Val800Gly; replaces valine 800 with glycine.
Molecular consequence: missense variant.
Genome position (GRCh38, 1-based): chr5:112,837,993, T>G. VCF-style: chr5-112837993-T-G. GRCh37 (hg19) VCF-style: chr5-112173690-T-G.
Other names: c.2399T>G, p.Val800Gly (NM_001127510.3, NM_001354895.2); c.2345T>G, p.Val782Gly (NM_001127511.3); c.2453T>G, p.Val818Gly (NM_001354896.2); c.2429T>G, p.Val810Gly (NM_001354897.2); c.2324T>G, p.Val775Gly (NM_001354898.2); c.2315T>G, p.Val772Gly (NM_001354899.2); c.2276T>G, p.Val759Gly (NM_001354900.2); c.2222T>G, p.Val741Gly (NM_001354901.2); and 5 more; short protein forms V517G, V759G, V782G, V818G, V640G, V741G, V674G, V772G.
Identifiers: ClinVar variation 835578 (VCV000835578.10), dbSNP rs1765171335, ClinGen allele CA16026606.
Genomic context (GRCh38, chr5:112,837,993, plus strand): 5'-GTCCCAAGGCATCTCATCGTAGTAAGCAGAGACACAAGCAAAGTCTCTATGGTGATTATG[T>G]TTTTGACACCAATCGACATGATGATAATAGGTCAGACAATTTTAATACTGGCAACATGAC-3'
Protein context (NP_000029.2, residues 790-810): RHKQSLYGDY[Val800Gly]FDTNRHDDNR